The following is an entry in ClinVar:

NM_001349253.2(SCN11A):c.2008C>G (p.Arg670Gly)

Gene: SCN11A (sodium voltage-gated channel alpha subunit 11; minus strand). Cytogenetic location: 3p22.2.
Variant type: single nucleotide variant.
Coding change: c.2008C>G on transcript NM_001349253.2 (MANE Select); coding-DNA position 2008, C replaced by G.
Protein change: p.Arg670Gly; replaces arginine 670 with glycine.
Molecular consequence: missense variant.
Genome position (GRCh38, 1-based): chr3:38,899,908, G>C on the plus strand (C>G on the coding strand, the complement: SCN11A is on the minus strand). VCF-style: chr3-38899908-G-C. GRCh37 (hg19) VCF-style: chr3-38941399-G-C.
Other names: c.2008C>G, p.Arg670Gly (NM_014139.3); short protein forms R670G.
Identifiers: ClinVar variation 650692 (VCV000650692.6), dbSNP rs760681852, ClinGen allele CA352160985.
Genomic context (GRCh38, chr3:38,899,908, plus strand): 5'-CACTTAGGCAGCTACGTTTATGCAGTAAAATAAGAAAGTGCCTTACCACTCTGAAGGAAC[G>C]CAAGAATGGCCAGCTTCTCTTTTGAAGTACACAGTTCATTACATCTGCAAAACTCAGAAG-3'
Protein context (NP_001336182.1, residues 660-680): VLQKRSWPFL[Arg670Gly]SFRVLRVFKL

ClinVar aggregate classification (germline): Uncertain significance. Review status: criteria provided, multiple submitters, no conflicts (2 of 4 stars). 2 submissions from 2 submitters: Uncertain significance (2). Last evaluated 2026-05-29.

Conditions:
SCN11A-related disorder. Also called: SCN11A-related condition.
Hereditary sensory and autonomic neuropathy type 7. Also called: Neuropathy, hereditary sensory and autonomic, type VII; HSAN VII. Identifiers: Orphanet 391397, MedGen C3809882, MONDO:0014244, OMIM 615548.
Familial episodic pain syndrome with predominantly lower limb involvement. Also called: Episodic pain syndrome, familial, 3. Identifiers: Orphanet 391384, Orphanet 391392, MedGen C3809899, MONDO:0014247, OMIM 615552.

gnomAD v4.1: 4 of 1,613,446 alleles (0.00025%); highest among the groups gnomAD compares: African/African-American, 0.0053%; no homozygotes.

Submissions (2):

PreventionGenetics, part of Exact Sciences
Classification: Uncertain significance for SCN11A-related condition. Last evaluated: 2026-05-29. Review status: criteria provided, single submitter. Criteria: ACMG Guidelines, 2015. Collection method: clinical testing. Allele origin: germline.
Comment: The SCN11A c.2008C>G variant is predicted to result in the amino acid substitution p.Arg670Gly. To our knowledge, this variant has not been reported in the literature. This variant is reported in 0.0062% of alleles in individuals of African descent in gnomAD. At this time, the clinical significance of this variant is uncertain due to the absence of conclusive functional and genetic evidence.

Labcorp Genetics (formerly Invitae), Labcorp
Classification: Uncertain significance for Familial episodic pain syndrome with predominantly lower limb involvement; Hereditary sensory and autonomic neuropathy type 7. Last evaluated: 2022-08-31. Review status: criteria provided, single submitter. Criteria: Invitae Variant Classification Sherloc (09022015). Collection method: clinical testing. Allele origin: germline.
Comment: In summary, the available evidence is currently insufficient to determine the role of this variant in disease. Therefore, it has been classified as a Variant of Uncertain Significance. Algorithms developed to predict the effect of missense changes on protein structure and function are either unavailable or do not agree on the potential impact of this missense change (SIFT: "Tolerated"; PolyPhen-2: "Possibly Damaging"; Align-GVGD: "Class C0"). ClinVar contains an entry for this variant (Variation ID: 650692). This variant has not been reported in the literature in individuals affected with SCN11A-related conditions. This variant is present in population databases (no rsID available, gnomAD 0.007%). This sequence change replaces arginine, which is basic and polar, with glycine, which is neutral and non-polar, at codon 670 of the SCN11A protein (p.Arg670Gly).